The following is an entry in ClinVar:

ClinVar aggregate classification (germline): Uncertain significance. Review status: criteria provided, multiple submitters, no conflicts (2 of 4 stars). 2 submissions from 2 submitters: Uncertain significance (2). Last evaluated 2025-07-31.

Conditions:
Hereditary cancer-predisposing syndrome. Also called: Tumor predisposition; Hereditary Cancer Syndrome; Neoplastic Syndromes, Hereditary; Hereditary neoplastic syndrome. Identifiers: Orphanet 140162, MedGen C0027672, MeSH D009386, MONDO:0015356.
Neuroblastoma, susceptibility to, 3. Also called: ALK-Related Neuroblastic Tumor Susceptibility. Identifiers: Orphanet 635, MedGen C2751681, MONDO:0013083, OMIM 613014.

gnomAD v4.1: 1 of 1,614,154 alleles (0.000062%); no homozygotes.

Submissions (2):

Labcorp Genetics (formerly Invitae), Labcorp
Classification: Uncertain significance for Neuroblastoma, susceptibility to, 3. Last evaluated: 2025-07-31. Review status: criteria provided, single submitter. Criteria: Invitae Variant Classification Sherloc (09022015). Collection method: clinical testing. Allele origin: germline.
Comment: This sequence change replaces histidine, which is basic and polar, with tyrosine, which is neutral and polar, at codon 989 of the ALK protein (p.His989Tyr). This variant is not present in population databases (gnomAD no frequency). This variant has not been reported in the literature in individuals affected with ALK-related conditions. ClinVar contains an entry for this variant (Variation ID: 1010479). An algorithm developed to predict the effect of missense changes on protein structure and function (PolyPhen-2) suggests that this variant is likely to be disruptive. In summary, the available evidence is currently insufficient to determine the role of this variant in disease. Therefore, it has been classified as a Variant of Uncertain Significance.

Ambry Genetics
Classification: Uncertain significance for Hereditary cancer-predisposing syndrome. Last evaluated: 2024-10-21. Review status: criteria provided, single submitter. Criteria: Ambry Variant Classification Scheme 2023. Collection method: clinical testing. Allele origin: germline.
Comment: The p.H989Y variant (also known as c.2965C>T), located in coding exon 18 of the ALK gene, results from a C to T substitution at nucleotide position 2965. The histidine at codon 989 is replaced by tyrosine, an amino acid with similar properties. This amino acid position is conserved. In addition, the in silico prediction for this alteration is inconclusive. Based on the available evidence, the clinical significance of this variant remains unclear.

NM_004304.5(ALK):c.2965C>T (p.His989Tyr)

Gene: ALK (ALK receptor tyrosine kinase; minus strand). Cytogenetic location: 2p23.2.
Variant type: single nucleotide variant.
Coding change: c.2965C>T on transcript NM_004304.5 (MANE Select); coding-DNA position 2965, C replaced by T.
Protein change: p.His989Tyr; replaces histidine 989 with tyrosine.
Molecular consequence: missense variant.
Genome position (GRCh38, 1-based): chr2:29,227,024, G>A on the plus strand (C>T on the coding strand, the complement: ALK is on the minus strand). VCF-style: chr2-29227024-G-A. GRCh37 (hg19) VCF-style: chr2-29449890-G-A.
Other names: c.2965C>T (NM_004304.4); short protein forms H989Y.
Identifiers: ClinVar variation 1010479 (VCV001010479.9), dbSNP rs1664021582, ClinGen allele CA346467873.